The following is an entry in ClinVar:

NM_001164277.2(SLC37A4):c.1277A>G (p.Lys426Arg)

Gene: SLC37A4 (solute carrier family 37 member 4; minus strand). Cytogenetic location: 11q23.3.
Variant type: single nucleotide variant.
Coding change: c.1277A>G on transcript NM_001164277.2 (MANE Select); coding-DNA position 1277, A replaced by G.
Protein change: p.Lys426Arg; replaces lysine 426 with arginine.
Molecular consequence: missense variant.
Genome position (GRCh38, 1-based): chr11:119,024,923, T>C on the plus strand (A>G on the coding strand, the complement: SLC37A4 is on the minus strand). VCF-style: chr11-119024923-T-C. GRCh37 (hg19) VCF-style: chr11-118895633-T-C.
Other names: c.1343A>G, p.Lys448Arg (NM_001164278.2); c.1058A>G, p.Lys353Arg (NM_001164279.2); c.1277A>G, p.Lys426Arg (NM_001164280.2, NM_001467.6); c.1277A>G (NM_001467.5); short protein forms K353R, K448R, K426R.
Identifiers: ClinVar variation 1895641 (VCV001895641.6), dbSNP rs2497009391, ClinGen allele CA382893253.
Genomic context (GRCh38, chr11:119,024,923, plus strand): 5'-CAGGGGGAAGGCCACCGTGGGATGGTGCTCCGGAACCTGGACTCTCTTCACTCAGCCTTC[T>C]TGGACACTCGGCCCATCTTGGTGCGGATGTTTCGTAGGAGGAAGAAGGCAGCCGTGCTGG-3'
Protein context (NP_001157749.1, residues 416-429): NIRTKMGRVS[Lys426Arg]KAE

ClinVar aggregate classification (germline): Uncertain significance. Review status: criteria provided, multiple submitters, no conflicts (2 of 4 stars). 2 submissions from 2 submitters: Uncertain significance (2). Last evaluated 2025-10-12.

Conditions:
Glucose-6-phosphate transport defect (GSD1B). Also called: Glycogen Storage Disease Type Ib; GSD Ib. Identifiers: Orphanet 364, Orphanet 79259, MedGen C0268146, MONDO:0009288, OMIM 232220.
Inborn genetic diseases. Identifiers: MedGen C0950123, MeSH D030342.

Allele frequency attached by ClinVar (database versions not stated): gnomAD exomes below 0.00001.

Submissions (2):

Labcorp Genetics (formerly Invitae), Labcorp
Classification: Uncertain significance for Glucose-6-phosphate transport defect. Last evaluated: 2025-10-12. Review status: criteria provided, single submitter. Criteria: Invitae Variant Classification Sherloc (09022015). Collection method: clinical testing. Allele origin: germline.
Comment: This sequence change replaces lysine, which is basic and polar, with arginine, which is basic and polar, at codon 426 of the SLC37A4 protein (p.Lys426Arg). This variant is not present in population databases (gnomAD no frequency). This variant has not been reported in the literature in individuals affected with SLC37A4-related conditions. ClinVar contains an entry for this variant (Variation ID: 1895641). Invitae Evidence Modeling of protein sequence and biophysical properties (such as structural, functional, and spatial information, amino acid conservation, physicochemical variation, residue mobility, and thermodynamic stability) has been performed for this missense variant. However, the output from this modeling did not meet the statistical confidence thresholds required to predict the impact of this variant on SLC37A4 protein function. In summary, the available evidence is currently insufficient to determine the role of this variant in disease. Therefore, it has been classified as a Variant of Uncertain Significance.

Ambry Genetics
Classification: Uncertain significance for Inborn genetic diseases. Last evaluated: 2025-02-10. Review status: criteria provided, single submitter. Criteria: Ambry Variant Classification Scheme 2023. Collection method: clinical testing. Allele origin: germline.
Comment: The p.K426R variant (also known as c.1277A>G), located in coding exon 8 of the SLC37A4 gene, results from an A to G substitution at nucleotide position 1277. The lysine at codon 426 is replaced by arginine, an amino acid with highly similar properties. This amino acid position is conserved. In addition, this alteration is predicted to be tolerated by in silico analysis. Based on the available evidence, the clinical significance of this variant remains unclear.